The following is an entry in ClinVar:

ClinVar aggregate classification (germline): Benign/Likely benign. Review status: criteria provided, multiple submitters, no conflicts (2 of 4 stars). 3 submissions from 3 submitters: Benign (1); Likely benign (1). 1 of the submissions does not count toward it. Last evaluated 2025-12-17.

Conditions:
TANGO2-related disorder. Also called: TANGO2-related condition.

Allele frequency attached by ClinVar (database versions not stated): 1000 Genomes Project 30x 0.00016; ExAC 0.00016; 1000 Genomes Project 0.00020; ESP Exome Variant Server 0.00023; TOPMed 0.00024; gnomAD 0.00025; gnomAD exomes 0.00025 and 0.00028.
gnomAD v4.1: 447 of 1,614,136 alleles (0.028%); highest among the groups gnomAD compares: Non-Finnish European, 0.035%; 3 homozygotes.

Submissions (3):

Labcorp Genetics (formerly Invitae), Labcorp
Classification: Benign. Last evaluated: 2025-12-17. Review status: criteria provided, single submitter. Criteria: Invitae Variant Classification Sherloc (09022015). Collection method: clinical testing. Allele origin: germline.

CeGaT Center for Human Genetics Tuebingen
Classification: Likely benign. Last evaluated: 2023-05-01. Review status: criteria provided, single submitter. Criteria: CeGaT Center For Human Genetics Tuebingen Variant Classification Criteria Version 2. Collection method: clinical testing. Allele origin: germline. Affected: yes. Observed: 1 variant allele.
Comment: TANGO2: BP4, BP7

PreventionGenetics, part of Exact Sciences
Classification: Likely benign for TANGO2-related condition. Last evaluated: 2023-06-29. Review status: no assertion criteria provided. Collection method: clinical testing. Allele origin: germline. Not counted in ClinVar's aggregate classification.
Comment: This variant is classified as likely benign based on ACMG/AMP sequence variant interpretation guidelines (Richards et al. 2015 PMID: 25741868, with internal and published modifications).

NM_152906.7(TANGO2):c.738G>A (p.Ala246=)

Gene: TANGO2 (transport and golgi organization 2 homolog; plus strand). Cytogenetic location: 22q11.21.
Variant type: single nucleotide variant.
Coding change: c.738G>A on transcript NM_152906.7 (MANE Select); coding-DNA position 738, G replaced by A.
Protein change: p.Ala246=; no amino-acid change (alanine 246 retained).
Molecular consequence: synonymous variant. On other transcripts: missense variant (5), 3 prime UTR variant (2), non-coding transcript variant (5).
Genome position (GRCh38, 1-based): chr22:20,064,569, G>A. VCF-style: chr22-20064569-G-A. GRCh37 (hg19) VCF-style: chr22-20052092-G-A.
Other names: c.738G>A, p.Ala246= (NM_001283106.3, NM_001283116.3); c.861G>A, p.Ala287= (NM_001283129.3, NM_001322143.2); c.736G>A, p.Gly246Arg (NM_001283148.3, NM_001283154.3); c.552G>A, p.Ala184= (NM_001283179.3, NM_001283186.3, NM_001322163.2 and 2 more transcripts); c.513G>A, p.Ala171= (NM_001283199.3); c.*5G>A (NM_001283215.3); c.444G>A, p.Ala148= (NM_001283235.3, NM_001322171.2, NM_001322172.2 and 3 more transcripts); c.*74G>A (NM_001283248.3); and 10 more; short protein forms G184R, G212R, G246R, G287R.
Identifiers: ClinVar variation 1543207 (VCV001543207.32), dbSNP rs142558529, ClinGen allele CA10106568.